The following is an entry in ClinVar:

NC_000016.9:g.(?_89619467)_(89620817_?)del

Gene: SPG7 (SPG7 matrix AAA peptidase subunit, paraplegin; plus strand). Cytogenetic location: 16q24.3.
Variant type: Deletion.
Identifiers: ClinVar variation 1459620 (VCV001459620.7).

ClinVar aggregate classification (germline): Pathogenic (1 of 4 stars; one submission).

Conditions:
Hereditary spastic paraplegia 7 (SPG7). Also called: Autosomal recessive spastic paraplegia type 7; SPG7-related neurologic disorder; SPASTIC PARAPLEGIA 7, AUTOSOMAL RECESSIVE, WITH OR WITHOUT CEREBELLAR ATAXIA; Spastic paraplegia 7; Hereditary spastic paraplegia Paraplegin type. Identifiers: Orphanet 99013, MedGen C1846564, MONDO:0011803, OMIM 607259.

Submission:

Labcorp Genetics (formerly Invitae), Labcorp
Classification: Pathogenic for Hereditary spastic paraplegia 7. Last evaluated: 2020-12-30. Review status: criteria provided, single submitter. Criteria: Invitae Variant Classification Sherloc (09022015). Collection method: clinical testing. Allele origin: germline.
Comment: For these reasons, this variant has been classified as Pathogenic. This variant disrupts the p.Gly666 amino acid residue in SPG7. Other variant(s) that disrupt this residue have been determined to be pathogenic (PMID: 23733235, Invitae). This suggests that this residue is clinically significant, and that variants that disrupt this residue are likely to be disease-causing. This variant has not been reported in the literature in individuals with SPG7-related conditions. This variant results in the deletion of part of exon 14 and all of exon 15 (c.1862_2104-75del) of the SPG7 gene. It is expected to disrupt RNA splicing. Variants that disrupt the donor or acceptor splice site typically lead to a loss of protein function (PMID: 16199547), and loss-of-function variants in SPG7 are known to be pathogenic (PMID: 21623769, 22964162).

Literature cited by the submitters: PubMed 23733235; PubMed 16199547; PubMed 21623769; PubMed 22964162.